The following is an entry in ClinVar:

NM_005359.6(SMAD4):c.633T>C (p.Thr211=)

Gene: SMAD4 (SMAD family member 4; plus strand). Cytogenetic location: 18q21.2.
Variant type: single nucleotide variant.
Coding change: c.633T>C on transcript NM_005359.6 (MANE Select); coding-DNA position 633, T replaced by C.
Protein change: p.Thr211=; no amino-acid change (threonine 211 retained).
Molecular consequence: synonymous variant.
Genome position (GRCh38, 1-based): chr18:51,054,959, T>C. VCF-style: chr18-51054959-T-C. GRCh37 (hg19) VCF-style: chr18-48581329-T-C.
Identifiers: ClinVar variation 413438 (VCV000413438.28), dbSNP rs1060504027, ClinGen allele CA16615794.

ClinVar aggregate classification (germline): Benign/Likely benign. Review status: criteria provided, multiple submitters, no conflicts (2 of 4 stars). 10 submissions from 10 submitters: Benign (2); Likely benign (7). 1 of the submissions does not count toward it. Last evaluated 2025-12-17.

Conditions:
SMAD4-related disorder. Also called: SMAD4-related condition; SMAD4-Related disorders.
Hereditary cancer-predisposing syndrome. Also called: Neoplastic Syndromes, Hereditary; Hereditary Cancer Syndrome; Hereditary neoplastic syndrome; Tumor predisposition. Identifiers: Orphanet 140162, MedGen C0027672, MeSH D009386, MONDO:0015356.
Familial thoracic aortic aneurysm and aortic dissection (TAAD). Also called: Thoracic aortic aneurysms and dissections. Identifiers: Orphanet 91387, MedGen C4707243, MONDO:0019625.
Juvenile polyposis syndrome (JPS). Identifiers: Orphanet 2929, MedGen C0345893, MONDO:0017380, OMIM 174900.
Myhre syndrome (MYHRS). Also called: LARYNGOTRACHEAL STENOSIS, ARTHROPATHY, PROGNATHISM, AND SHORT STATURE; LAPS SYNDROME. Identifiers: Orphanet 2588, MedGen C0796081, MONDO:0007688, OMIM 139210.
Juvenile polyposis/hereditary hemorrhagic telangiectasia syndrome (JPHT). Also called: POLYPOSIS, GENERALIZED JUVENILE, WITH PULMONARY ARTERIOVENOUS MALFORMATION; TELANGIECTASIA, HEREDITARY HEMORRHAGIC, WITH JUVENILE POLYPOSIS COLI; Juvenile Polyposis Syndrome / Hereditary Hemorrhagic Telangiectasia (JPS/HHT); JP/HHT SYNDROME; JUVENILE POLYPOSIS WITH HEREDITARY HEMORRHAGIC TELANGIECTASIA. Identifiers: Orphanet 2929, MedGen C1832942, MONDO:0008278, OMIM 175050.

Allele frequency attached by ClinVar (database versions not stated): gnomAD exomes below 0.00001.
gnomAD v4.1: 1 of 1,614,162 alleles (0.000062%); highest among the groups gnomAD compares: Non-Finnish European, 0.000085%; no homozygotes.

Submissions (10):

Labcorp Genetics (formerly Invitae), Labcorp
Classification: Likely benign for Juvenile polyposis syndrome. Last evaluated: 2025-12-17. Review status: criteria provided, single submitter. Criteria: Invitae Variant Classification Sherloc (09022015). Collection method: clinical testing. Allele origin: germline.

Myriad Genetics, Inc.
Classification: Benign for Juvenile polyposis/hereditary hemorrhagic telangiectasia syndrome. Last evaluated: 2025-03-19. Review status: criteria provided, single submitter. Criteria: Myriad Autosomal Dominant, Autosomal Recessive and X-Linked Classification Criteria (2023). Collection method: clinical testing. Allele origin: unknown.
Comment: This variant is considered benign. This variant is a silent/synonymous amino acid change and it is not expected to impact splicing.

Center for Genomic Medicine, Rigshospitalet, Copenhagen University Hospital
Classification: Likely benign. Last evaluated: 2025-03-04. Review status: criteria provided, single submitter. Criteria: ACMG Guidelines, 2015. Collection method: clinical testing. Allele origin: germline.

KCCC/NGS Laboratory, Kuwait Cancer Control Center
Classification: Benign for Myhre syndrome. Last evaluated: 2025-02-01. Review status: criteria provided, single submitter. Criteria: ACMG Guidelines, 2015. Collection method: clinical testing. Allele origin: germline. Affected: no.

All of Us Research Program, National Institutes of Health
Classification: Likely benign for Juvenile polyposis/hereditary hemorrhagic telangiectasia syndrome. Last evaluated: 2023-11-30. Review status: criteria provided, single submitter. Criteria: ACMG Guidelines, 2015. Collection method: clinical testing. Allele origin: germline. Inheritance: Autosomal dominant inheritance. Observed: 1 variant allele, 1 heterozygote.
Comment: This study involves interpretation of variants in research participants for the purpose of population health screening. Participant phenotype was not available at the time of variant classification. Additional details can be found in publication PMID: 35346344, PMCID: PMC8962531

Sema4
Classification: Likely benign for Hereditary cancer-predisposing syndrome. Last evaluated: 2021-05-28. Review status: criteria provided, single submitter. Criteria: Sema4 Curation Guidelines. Collection method: curation. Allele origin: germline.

GeneDx
Classification: Likely benign. Last evaluated: 2019-11-05. Review status: criteria provided, single submitter. Criteria: GeneDx Variant Classification Process June 2021. Collection method: clinical testing. Allele origin: germline. Affected: yes.
Comment: Not observed in large population cohorts (Lek et al., 2016)

Color Diagnostics, LLC DBA Color Health
Classification: Likely benign for Hereditary cancer-predisposing syndrome. Last evaluated: 2018-11-27. Review status: criteria provided, single submitter. Criteria: ACMG Guidelines, 2015. Collection method: clinical testing. Allele origin: germline.

Ambry Genetics
Classification: Likely benign for Hereditary cancer-predisposing syndrome; Familial thoracic aortic aneurysm and aortic dissection. Last evaluated: 2017-05-01. Review status: criteria provided, single submitter. Criteria: Ambry Variant Classification Scheme 2023. Collection method: clinical testing. Allele origin: germline.

PreventionGenetics, part of Exact Sciences
Classification: Likely benign for SMAD4-related condition. Last evaluated: 2024-02-01. Review status: no assertion criteria provided. Collection method: clinical testing. Allele origin: germline. Not counted in ClinVar's aggregate classification.
Comment: This variant is classified as likely benign based on ACMG/AMP sequence variant interpretation guidelines (Richards et al. 2015 PMID: 25741868, with internal and published modifications).